The following is an entry in ClinVar:

NM_001377.3(DYNC2H1):c.1535G>T (p.Gly512Val)

Gene: DYNC2H1 (dynein cytoplasmic 2 heavy chain 1; plus strand). Cytogenetic location: 11q22.3.
Variant type: single nucleotide variant.
Coding change: c.1535G>T on transcript NM_001377.3 (MANE Select); coding-DNA position 1535, G replaced by T.
Protein change: p.Gly512Val; replaces glycine 512 with valine.
Molecular consequence: missense variant.
Genome position (GRCh38, 1-based): chr11:103,122,874, G>T. VCF-style: chr11-103122874-G-T. GRCh37 (hg19) VCF-style: chr11-102993603-G-T.
Other names: c.1535G>T, p.Gly512Val (NM_001080463.2); short protein forms G512V.
Identifiers: ClinVar variation 5038012 (VCV005038012.2).

ClinVar aggregate classification (germline): Uncertain significance (1 of 4 stars; one submission).

Conditions:
Asphyxiating thoracic dystrophy 3. Also called: POLYDACTYLY WITH NEONATAL CHONDRODYSTROPHY, TYPE I; SHORT-RIB THORACIC DYSPLASIA 3/6 WITH POLYDACTYLY, DIGENIC; SHORT-RIB THORACIC DYSPLASIA 3 WITH OR WITHOUT POLYDACTYLY; Saldino-Noonan Syndrome; Short rib polydactyly syndrome 2B. Identifiers: Orphanet 474, Orphanet 93269, Orphanet 93270, Orphanet 93271, MedGen C0036069, MONDO:0013127, OMIM 613091.

gnomAD v4.1: 1 of 1,613,276 alleles (0.000062%); no homozygotes.

Submission:

Juno Genomics, Hangzhou Juno Genomics, Inc
Classification: Uncertain significance for Asphyxiating thoracic dystrophy 3. Review status: criteria provided, single submitter. Criteria: ACMG Guidelines, 2015. Collection method: clinical testing. Allele origin: germline.
Comment: Absent from controls (or at extremely low frequency if recessive) in Genome Aggregation Database.